The following is an entry in ClinVar:

NM_001165963.4(SCN1A):c.5951C>A (p.Pro1984His)

Genes: SCN1A (sodium voltage-gated channel alpha subunit 1; minus strand), LOC102724058 (uncharacterized LOC102724058; plus strand). Cytogenetic location: 2q24.3.
Variant type: single nucleotide variant.
Coding change: c.5951C>A on transcript NM_001165963.4 (MANE Select); coding-DNA position 5951, C replaced by A.
Protein change: p.Pro1984His; replaces proline 1984 with histidine.
Molecular consequence: missense variant. On other transcripts: non-coding transcript variant (1).
Genome position (GRCh38, 1-based): chr2:165,991,324, G>T on the plus strand (C>A on the coding strand, the complement: SCN1A is on the minus strand). VCF-style: chr2-165991324-G-T. GRCh37 (hg19) VCF-style: chr2-166847834-G-T.
Other names: p.P1984H:CCT>CAT; c.5867C>A, p.Pro1956His (NM_001165964.3, NM_001353957.2, NM_001353958.2); c.5951C>A, p.Pro1984His (NM_001202435.3, NM_001353948.2); c.5918C>A, p.Pro1973His (NM_001353949.2, NM_001353950.2, NM_001353951.2 and 2 more transcripts); c.5915C>A, p.Pro1972His (NM_001353954.2, NM_001353955.2); c.5864C>A, p.Pro1955His (NM_001353960.2); c.3509C>A, p.Pro1170His (NM_001353961.2); short protein forms P1973H, P1984H, P1955H, P1972H, P1956H, P1170H.
Identifiers: ClinVar variation 93661 (VCV000093661.30), dbSNP rs146733308, ClinGen allele CA221611.
Genomic context (GRCh38, chr2:165,991,324, plus strand): 5'-TCATCTTTGCCTTCTTGCTCATGTTTTTCCACAATTGGCTTTGTCACCCGGTCATAGGAA[G>T]GTGGACAAGCTGCAGTGGACATGGTCAGATCAGTTTTTTCTGTAATAGAGTTTTCATTTA-3'
Protein context (NP_001159435.1, residues 1974-1994): DLTMSTAACP[Pro1984His]SYDRVTKPIV

ClinVar aggregate classification (germline): Conflicting classifications of pathogenicity. Review status: criteria provided, conflicting classifications (1 of 4 stars). 9 submissions from 9 submitters: Uncertain significance (3); Benign (2); Likely benign (2). 2 of the submissions do not count toward it. Last evaluated 2026-01-29.

Conditions:
SCN1A-related disorder. Also called: SCN1A-related conditions; SCN1A-related condition; SCN1A-related disorders.
Inborn genetic diseases. Identifiers: MedGen C0950123, MeSH D030342.
Early-infantile DEE. Also called: Early infantile epileptic encephalopathy with suppression bursts; Ohtahara syndrome; Early infantile epileptic encephalopathy. Identifiers: Orphanet 1934, MedGen C0393706, MONDO:0800491.
Migraine, familial hemiplegic, 3. Identifiers: Orphanet 569, MedGen C1864987, MONDO:0012320, OMIM 609634.
Severe myoclonic epilepsy in infancy (DRVT). Also called: DEVELOPMENTAL AND EPILEPTIC ENCEPHALOPATHY 6A; Severe Myoclonic Epilepsy in Infancy (SMEI); Dravet syndrome; SEVERE MYOCLONIC EPILEPSY OF INFANCY; Epileptic encephalopathy, early infantile, 6 (Dravet syndrome). Identifiers: Orphanet 33069, MedGen C0751122, MONDO:0100135, OMIM 607208.
Generalized epilepsy with febrile seizures plus, type 2 (GEFSP2). Also called: GEFS+, TYPE 2. Identifiers: Orphanet 36387, MedGen C1858673, MONDO:0011461, OMIM 604403.

Allele frequency attached by ClinVar (database versions not stated): ESP Exome Variant Server 0.00092; 1000 Genomes Project 0.00120; gnomAD 0.00074; 1000 Genomes Project 30x 0.00109; TOPMed 0.00080.
gnomAD v4.1: 187 of 1,613,458 alleles (0.012%); highest among the groups gnomAD compares: African/African-American, 0.23%; no homozygotes.

Submissions (19):

Labcorp Genetics (formerly Invitae), Labcorp
Classification: Likely benign for Early-infantile DEE. Last evaluated: 2026-01-29. Review status: criteria provided, single submitter. Criteria: Invitae Variant Classification Sherloc (09022015). Collection method: clinical testing. Allele origin: germline.

Blueprint Genetics
Classification: Likely benign. Last evaluated: 2024-10-18. Review status: criteria provided, single submitter. Criteria: ACMG Guidelines, 2015. Collection method: clinical testing. Allele origin: germline.

GeneDx
Classification: Benign. Last evaluated: 2021-03-30. Review status: criteria provided, single submitter. Criteria: GeneDx Variant Classification Process June 2021. Collection method: clinical testing. Allele origin: germline. Affected: yes.

New York Genome Center
Classification: Uncertain significance for Generalized epilepsy with febrile seizures plus, type 2; Severe myoclonic epilepsy in infancy; Migraine, familial hemiplegic, 3. Last evaluated: 2019-06-02. Review status: criteria provided, single submitter. Criteria: NYGC Assertion Criteria 2020. Collection method: clinical testing. Allele origin: germline. Observed: 1 heterozygote. Study: CSER-NYCKidSeq.
Comment: The SCN1A c.5951C>A (p.Pro1984His) variant identified substitutes a highly conserved Proline for Histidine at amino acid 1973/1999 (coding exon 29/29). In silico algorithms predict this variant to be Deleterious (Provean; score:-6.60) and Damaging (SIFT; score:0.00) to the function of the canonical transcript. The c.5951C>A (p.Pro1984His) variant has been reported in ClinVar as a Variant of Uncertain Significance (VarID: 93661), and has been reported a single time in a large cohort study of pediatric patients with drug resistant epilepsy [PMID: 29353705], with no patient specific phenotype information. Given the lack of compelling information supporting its pathogenicity, the c.5951C>A (p.Pro1984His) variant identified in the SCN1A gene is reported here as a Variant of Uncertain Significance.

Ambry Genetics
Classification: Benign for Inborn genetic diseases. Last evaluated: 2019-03-07. Review status: criteria provided, single submitter. Criteria: Ambry Variant Classification Scheme 2023. Collection method: clinical testing. Allele origin: germline.

Fulgent Genetics
Classification: Uncertain significance for Generalized epilepsy with febrile seizures plus, type 2; Severe myoclonic epilepsy in infancy; Migraine, familial hemiplegic, 3. Last evaluated: 2018-10-31. Review status: criteria provided, single submitter. Criteria: ACMG Guidelines, 2015. Collection method: clinical testing. Allele origin: unknown.

Eurofins Ntd Llc (ga)
Classification: Uncertain significance. Last evaluated: 2013-04-19. Review status: criteria provided, single submitter. Criteria: EGL Classification Definitions 2015. Collection method: clinical testing. Allele origin: germline. Observed: 2 variant alleles, 2 heterozygotes.

PreventionGenetics, part of Exact Sciences
Classification: Likely benign for SCN1A-related condition. Last evaluated: 2023-05-23. Review status: no assertion criteria provided. Collection method: clinical testing. Allele origin: germline. Not counted in ClinVar's aggregate classification.
Comment: This variant is classified as likely benign based on ACMG/AMP sequence variant interpretation guidelines (Richards et al. 2015 PMID: 25741868, with internal and published modifications).

Channelopathy-Associated Epilepsy Research Center
No classification provided (evidence only). Review status: no classification provided. Collection method: in vitro. Allele origin: not applicable. Functional consequence: Normal peak current. Not counted in ClinVar's aggregate classification.

Channelopathy-Associated Epilepsy Research Center
No classification provided (evidence only). Review status: no classification provided. Collection method: in vitro. Allele origin: not applicable. Functional consequence: Normal voltage dependence of activation. Not counted in ClinVar's aggregate classification.

Channelopathy-Associated Epilepsy Research Center
No classification provided (evidence only). Review status: no classification provided. Collection method: in vitro. Allele origin: not applicable. Functional consequence: Normal slope of activation. Not counted in ClinVar's aggregate classification.

Channelopathy-Associated Epilepsy Research Center
No classification provided (evidence only). Review status: no classification provided. Collection method: in vitro. Allele origin: not applicable. Functional consequence: Normal voltage dependence of fast inactivation. Not counted in ClinVar's aggregate classification.

Channelopathy-Associated Epilepsy Research Center
No classification provided (evidence only). Review status: no classification provided. Collection method: in vitro. Allele origin: not applicable. Functional consequence: Normal slope of fast inactivation. Not counted in ClinVar's aggregate classification.

Channelopathy-Associated Epilepsy Research Center
No classification provided (evidence only). Review status: no classification provided. Collection method: in vitro. Allele origin: not applicable. Functional consequence: Normal rate of recovery from fast inactivation. Not counted in ClinVar's aggregate classification.

Channelopathy-Associated Epilepsy Research Center
No classification provided (evidence only). Review status: no classification provided. Collection method: in vitro. Allele origin: not applicable. Functional consequence: Normal current amplitude in use dependence. Not counted in ClinVar's aggregate classification.

Channelopathy-Associated Epilepsy Research Center
No classification provided (evidence only). Review status: no classification provided. Collection method: in vitro. Allele origin: not applicable. Functional consequence: Normal fast inactivation. Not counted in ClinVar's aggregate classification.

Channelopathy-Associated Epilepsy Research Center
No classification provided (evidence only). Review status: no classification provided. Collection method: in vitro. Allele origin: not applicable. Functional consequence: Normal ramp current. Not counted in ClinVar's aggregate classification.

Channelopathy-Associated Epilepsy Research Center
No classification provided (evidence only). Review status: no classification provided. Collection method: in vitro. Allele origin: not applicable. Functional consequence: Normal persistent current. Not counted in ClinVar's aggregate classification.

Department of Pathology and Laboratory Medicine, Sinai Health System
Classification: Likely benign. Review status: no assertion criteria provided. Collection method: clinical testing. Allele origin: unknown. Affected: yes. Study: The Canadian Open Genetics Repository (COGR). Not counted in ClinVar's aggregate classification.
Comment: The SCN1A p.P1984H variant was not identified in the literature but was identified in dbSNP (ID: rs146733308) and ClinVar (classified as uncertain significance by GeneDx, EGL Genetic Diagnostics, and Fulgent Genetics; as likely benign by Invitae; and as benign by Ambry Genetics). The variant was identified in control databases in 61 of 282118 chromosomes at a frequency of 0.0002162, and was observed at the highest frequency in the African population in 59 of 24952 chromosomes (freq: 0.002365) (Genome Aggregation Database March 6, 2019, v2.1.1). This frequency is greater than expected for the rare, autosomal dominant epilepsy with febrile seizures and early infantile epileptic encephalopathy conditions associated with SCN1A variants. The p.P1984 residue is conserved in mammals and more distantly related organisms, and computational analyses (MUT Assesor, PolyPhen-2, SIFT, MutationTaster, Revel, FATHMM, MetaLR, DANN) suggest that the variant may impact the protein; however, this information is not predictive enough to assume pathogenicity. The variant occurs outside of the splicing consensus sequence and in silico or computational prediction software programs (Splice AI exome) do not predict a difference in splicing. In summary, based on the above information the clinical significance of this variant cannot be determined with certainty at this time although we would lean towards a more benign role for this variant. This variant is classified as likely benign.